The following is an entry in ClinVar:

NM_173598.6(KSR2):c.1928G>A (p.Arg643Gln)

Gene: KSR2 (kinase suppressor of ras 2; minus strand). Cytogenetic location: 12q24.22.
Variant type: single nucleotide variant.
Coding change: c.1928G>A on transcript NM_173598.6 (MANE Select); coding-DNA position 1928, G replaced by A.
Protein change: p.Arg643Gln; replaces arginine 643 with glutamine.
Molecular consequence: missense variant.
Genome position (GRCh38, 1-based): chr12:117,525,143, C>T on the plus strand (G>A on the coding strand, the complement: KSR2 is on the minus strand). VCF-style: chr12-117525143-C-T. GRCh37 (hg19) VCF-style: chr12-117962948-C-T.
Other names: short protein forms R643Q.
Identifiers: ClinVar variation 2634063 (VCV002634063.2), dbSNP rs563175641, ClinGen allele CA6815843.

ClinVar aggregate classification (germline): Uncertain significance (1 of 4 stars; one submission).

Conditions:
KSR2-related disorder. Also called: KSR2-related condition.

Allele frequency attached by ClinVar (database versions not stated): gnomAD 0.00002; gnomAD exomes 0.00002; TOPMed 0.00002; ExAC 0.00003; 1000 Genomes Project 30x 0.00016; 1000 Genomes Project 0.00020.
gnomAD v4.1: 28 of 1,613,956 alleles (0.0017%); highest among the groups gnomAD compares: Middle Eastern, 0.017%; no homozygotes.

Submission:

PreventionGenetics, part of Exact Sciences
Classification: Uncertain significance for KSR2-related condition. Last evaluated: 2025-09-04. Review status: criteria provided, single submitter. Criteria: ACMG Guidelines, 2015. Collection method: clinical testing. Allele origin: germline.
Comment: The KSR2 c.1841G>A variant is predicted to result in the amino acid substitution p.Arg614Gln. To our knowledge, this variant has not been reported in the literature. This variant is reported in 0.0065% of alleles in individuals of South Asian descent in gnomAD. At this time, the clinical significance of this variant is uncertain due to the absence of conclusive functional and genetic evidence.